The following is an entry in ClinVar:

NM_031372.4(HNRNPDL):c.356C>T (p.Thr119Ile)

Gene: HNRNPDL (heterogeneous nuclear ribonucleoprotein D like; minus strand). Cytogenetic location: 4q21.22.
Variant type: single nucleotide variant.
Coding change: c.356C>T on transcript NM_031372.4 (MANE Select); coding-DNA position 356, C replaced by T.
Protein change: p.Thr119Ile; replaces threonine 119 with isoleucine.
Molecular consequence: missense variant. On other transcripts: non-coding transcript variant (1).
Genome position (GRCh38, 1-based): chr4:82,429,335, G>A on the plus strand (C>T on the coding strand, the complement: HNRNPDL is on the minus strand). VCF-style: chr4-82429335-G-A. GRCh37 (hg19) VCF-style: chr4-83350488-G-A.
Other names: p.Thr119Ile; c.356C>T, p.Thr119Ile (NM_001207000.1); short protein forms T119I.
Identifiers: ClinVar variation 464388 (VCV000464388.16), dbSNP rs75779369, ClinGen allele CA2985025.

ClinVar aggregate classification (germline): Benign. Review status: criteria provided, multiple submitters, no conflicts (2 of 4 stars). 3 submissions from 3 submitters: Benign (3). Last evaluated 2026-02-01.

Conditions:
Autosomal dominant limb-girdle muscular dystrophy type 1G (LGMDD3). Also called: Limb-girdle muscular dystrophy, type 1G; MUSCULAR DYSTROPHY, LIMB-GIRDLE, AUTOSOMAL DOMINANT 3. Identifiers: Orphanet 55596, MedGen C1836765, MONDO:0012193, OMIM 609115.

Allele frequency attached by ClinVar (database versions not stated): gnomAD exomes 0.00111 and 0.00317; ExAC 0.00400; gnomAD 0.01088; 1000 Genomes Project 0.01298; TOPMed 0.01303; 1000 Genomes Project 30x 0.01327; ESP Exome Variant Server 0.01399.
gnomAD v4.1: 3,464 of 1,613,886 alleles (0.21%); highest among the groups gnomAD compares: African/African-American, 3.9%; 59 homozygotes.

Submissions (3):

Labcorp Genetics (formerly Invitae), Labcorp
Classification: Benign for Autosomal dominant limb-girdle muscular dystrophy type 1G. Last evaluated: 2026-02-01. Review status: criteria provided, single submitter. Criteria: Invitae Variant Classification Sherloc (09022015). Collection method: clinical testing. Allele origin: germline.

Mayo Clinic Laboratories, Mayo Clinic
Classification: Benign. Last evaluated: 2024-03-05. Review status: criteria provided, single submitter. Criteria: ACMG Guidelines, 2015. Collection method: clinical testing. Allele origin: germline. Observed: 6 variant alleles.
Comment: BS1, BS2, BP4

Breakthrough Genomics
Classification: Benign. Review status: criteria provided, single submitter. Criteria: ACMG Guidelines, 2015. Collection method: not provided. Allele origin: germline. Inheritance: Autosomal dominant inheritance. Affected: yes.